The following is an entry in ClinVar:

NM_000381.4(MID1):c.340G>A (p.Ala114Thr)

Gene: MID1 (midline 1; minus strand). Cytogenetic location: Xp22.2.
Variant type: single nucleotide variant.
Coding change: c.340G>A on transcript NM_000381.4 (MANE Select); coding-DNA position 340, G replaced by A.
Protein change: p.Ala114Thr; replaces alanine 114 with threonine.
Molecular consequence: missense variant.
Genome position (GRCh38, 1-based): chrX:10,567,208, C>T on the plus strand (G>A on the coding strand, the complement: MID1 is on the minus strand). VCF-style: chrX-10567208-C-T. GRCh37 (hg19) VCF-style: chrX-10535248-C-T.
Other names: c.340G>A, p.Ala114Thr (NM_001098624.2, NM_001193277.1, NM_001193278.1 and 5 more transcripts); short protein forms A114T.
Identifiers: ClinVar variation 424244 (VCV000424244.6), dbSNP rs749995175, ClinGen allele CA10347701.

ClinVar aggregate classification (germline): Uncertain significance. Review status: criteria provided, multiple submitters, no conflicts (2 of 4 stars). 2 submissions from 2 submitters: Uncertain significance (2). Last evaluated 2020-01-23.

Conditions:
X-linked Opitz G/BBB syndrome (GBBB). Also called: Opitz-Frias syndrome; MID1-Related Opitz G/BBB Syndrome; OPITZ BBBG SYNDROME, TYPE I; OPITZ SYNDROME, X-LINKED; OPITZ-G SYNDROME, TYPE I. Identifiers: Orphanet 2745, MedGen C2936904, MONDO:0010222, OMIM 300000.

Allele frequency attached by ClinVar (database versions not stated): ExAC 0.00001; TOPMed 0.00001; gnomAD 0.00003.
gnomAD v4.1: 12 of 1,209,395 alleles (0.00099%); highest among the groups gnomAD compares: Non-Finnish European, 0.0012%; no homozygotes.

Submissions (2):

New York Genome Center
Classification: Uncertain significance for X-linked Opitz G/BBB syndrome. Last evaluated: 2020-01-23. Review status: criteria provided, single submitter. Criteria: NYGC Assertion Criteria 2020. Collection method: clinical testing. Allele origin: inherited. Observed: 1 hemizygote. Study: CSER-NYCKidSeq.

GeneDx
Classification: Uncertain significance. Last evaluated: 2020-01-09. Review status: criteria provided, single submitter. Criteria: GeneDx Variant Classification Process June 2021. Collection method: clinical testing. Allele origin: germline. Affected: yes.
Comment: In silico analysis, which includes protein predictors and evolutionary conservation, supports that this variant does not alter protein structure/function; Has not been previously published as pathogenic or benign to our knowledge